The following is an entry in ClinVar:

NM_001048174.2(MUTYH):c.1011_1012delinsTT (p.Lys337_Pro338delinsAsnSer)

Gene: MUTYH (mutY DNA glycosylase; minus strand). Cytogenetic location: 1p34.1.
Variant type: Indel.
Coding change: c.1011_1012delinsTT on transcript NM_001048174.2 (MANE Select); coding-DNA positions 1011 to 1012, GC replaced by TT.
Protein change: p.Lys337_Pro338delinsAsnSer.
Molecular consequence: missense variant. On other transcripts: non-coding transcript variant (2).
Genome position (GRCh38, 1-based): chr1:45,331,751-45,331,752, GC replaced by AA on the plus strand (GC replaced by TT on the coding strand, the reverse complement: MUTYH is on the minus strand). VCF-style: chr1-45331751-GC-AA. GRCh37 (hg19) VCF-style: chr1-45797423-GC-AA.
Other names: c.1011_1012delinsTT, p.Lys337_Pro338delinsAsnSer (NM_001048171.2, NM_001048173.2, NM_001293195.2); c.1014_1015delinsTT, p.Lys338_Pro339delinsAsnSer (NM_001048172.2); c.1095_1096delinsTT, p.Lys365_Pro366delinsAsnSer (NM_001128425.2); c.1056_1057delinsTT, p.Lys352_Pro353delinsAsnSer (NM_001293190.2); c.1044_1045delinsTT, p.Lys348_Pro349delinsAsnSer (NM_001293191.2); c.735_736delinsTT, p.Lys245_Pro246delinsAsnSer (NM_001293192.2, NM_001293196.2); c.666_667delinsTT, p.Lys222_Pro223delinsAsnSer (NM_001350650.2, NM_001350651.2); c.1086_1087delinsTT, p.Lys362_Pro363delinsAsnSer (NM_012222.3); and 1 more.
Identifiers: ClinVar variation 650666 (VCV000650666.7), dbSNP rs1570384879, ClinGen allele CA915941263.

ClinVar aggregate classification (germline): Uncertain significance (1 of 4 stars; one submission).

Conditions:
Familial adenomatous polyposis 2. Also called: COLORECTAL ADENOMATOUS POLYPOSIS, AUTOSOMAL RECESSIVE; ADENOMAS, MULTIPLE COLORECTAL, AUTOSOMAL RECESSIVE; MYH-associated polyposis; MUTYH Polyposis; Adenomas, multiple colorectal; MUTYH-associated polyposis. Identifiers: Orphanet 220460, Orphanet 247798, MedGen C3272841, MONDO:0012041, OMIM 608456.

Submission:

Labcorp Genetics (formerly Invitae), Labcorp
Classification: Uncertain significance for Familial adenomatous polyposis 2. Last evaluated: 2025-03-17. Review status: criteria provided, single submitter. Criteria: Invitae Variant Classification Sherloc (09022015). Collection method: clinical testing. Allele origin: germline.
Comment: This variant, c.1095_1096delinsTT, is a complex sequence change that results in the deletion of 2 and insertion of 2 amino acid(s) in the MUTYH protein (p.Lys365_Pro366delinsAsnSer). Information on the frequency of this variant in the gnomAD database is not available, as this variant may be reported differently in the database. This variant has not been reported in the literature in individuals affected with MUTYH-related conditions. ClinVar contains an entry for this variant (Variation ID: 650666). Experimental studies and prediction algorithms are not available or were not evaluated, and the functional significance of this variant is currently unknown. In summary, the available evidence is currently insufficient to determine the role of this variant in disease. Therefore, it has been classified as a Variant of Uncertain Significance.